The following is an entry in ClinVar:

ClinVar aggregate classification (germline): Uncertain significance (1 of 4 stars; one submission).

Submission:

Labcorp Genetics (formerly Invitae), Labcorp
Classification: Uncertain significance. Last evaluated: 2024-09-02. Review status: criteria provided, single submitter. Criteria: Invitae Variant Classification Sherloc (09022015). Collection method: clinical testing. Allele origin: germline.
Comment: This sequence change creates a premature translational stop signal (p.Gln2151*) in the CACNA1D gene. While this is not anticipated to result in nonsense mediated decay, it is expected to disrupt the last 31 amino acid(s) of the CACNA1D protein. This variant is not present in population databases (gnomAD no frequency). This variant has not been reported in the literature in individuals affected with CACNA1D-related conditions. Experimental studies and prediction algorithms are not available or were not evaluated, and the functional significance of this variant is currently unknown. In summary, the available evidence is currently insufficient to determine the role of this variant in disease. Therefore, it has been classified as a Variant of Uncertain Significance.

NM_001128840.3(CACNA1D):c.6391C>T (p.Gln2131Ter)

Gene: CACNA1D (calcium voltage-gated channel subunit alpha1 D; plus strand). Cytogenetic location: 3p21.1.
Variant type: single nucleotide variant.
Coding change: c.6391C>T on transcript NM_001128840.3 (MANE Select); coding-DNA position 6391, C replaced by T.
Protein change: p.Gln2131Ter; replaces glutamine 2131 with a stop codon.
Molecular consequence: nonsense.
Genome position (GRCh38, 1-based): chr3:53,811,311, C>T. VCF-style: chr3-53811311-C-T. GRCh37 (hg19) VCF-style: chr3-53845338-C-T.
Other names: c.6451C>T, p.Gln2151Ter (NM_000720.4); c.6319C>T, p.Gln2107Ter (NM_001128839.3); short protein forms Q2131*, Q2107*, Q2151*.
Identifiers: ClinVar variation 3678531 (VCV003678531.2).
Genomic context (GRCh38, chr3:53,811,311, plus strand): 5'-GTGCGTCCCCGAGCCAACGGGGATGTGGGCCCCCTCTCACACCGGCAGGACTATGAGCTA[C>T]AGGACTTTGGTCCTGGCTACAGCGACGAAGAGCCAGACCCTGGGAGGGATGAGGAGGACC-3'